The following is an entry in ClinVar:

NM_005236.3(ERCC4):c.*675G>T

Gene: ERCC4 (ERCC excision repair 4, endonuclease catalytic subunit; plus strand). Cytogenetic location: 16p13.12.
Variant type: single nucleotide variant.
Coding change: c.*675G>T on transcript NM_005236.3 (MANE Select); 675 bases downstream of the stop codon, G replaced by T.
Molecular consequence: 3 prime UTR variant.
Genome position (GRCh38, 1-based): chr16:13,949,022, G>T. VCF-style: chr16-13949022-G-T. GRCh37 (hg19) VCF-style: chr16-14042879-G-T.
Identifiers: ClinVar variation 317834 (VCV000317834.5), dbSNP rs1651203, ClinGen allele CA10642923.

ClinVar aggregate classification (germline): Likely benign (1 of 4 stars; one submission).

Conditions:
Xeroderma pigmentosum, group F (XPF). Also called: XERODERMA PIGMENTOSUM, COMPLEMENTATION GROUP F; XERODERMA PIGMENTOSUM VI; XP, GROUP F; ERCC4-Related Xeroderma Pigmentosum; XERODERMA PIGMENTOSUM, TYPE F; Xeroderma pigmentosum, type 6. Identifiers: MedGen C0268140, MONDO:0010215, OMIM 278760.

Allele frequency attached by ClinVar (database versions not stated): gnomAD exomes 0.00431; gnomAD 0.02119 and 0.02273; 1000 Genomes Project 0.02196; TOPMed 0.02369; 1000 Genomes Project 30x 0.02436.
gnomAD v4.1: 3,573 of 232,866 alleles (1.5%); highest among the groups gnomAD compares: African/African-American, 7.2%; 128 homozygotes.

Submission:

Illumina Laboratory Services, Illumina
Classification: Likely benign for Xeroderma pigmentosum, group F. Last evaluated: 2017-04-27. Review status: criteria provided, single submitter. Criteria: ICSL Variant Classification Criteria 13 December 2019. Collection method: clinical testing. Allele origin: germline.
Comment: This variant was observed as part of a predisposition screen in an ostensibly healthy population. A literature search was performed for the gene, cDNA change, and amino acid change (where applicable). No publications were found based on this search. Allele frequency data from public databases allowed determination this variant is unlikely to cause disease. Therefore, this variant is classified as likely benign.